The following is an entry in ClinVar:

ClinVar aggregate classification (germline): Uncertain significance. Review status: criteria provided, multiple submitters, no conflicts (2 of 4 stars). 2 submissions from 2 submitters: Uncertain significance (2). Last evaluated 2022-08-31.

Conditions:
Inborn genetic diseases. Identifiers: MedGen C0950123, MeSH D030342.
Hereditary sensory and autonomic neuropathy type 6. Also called: HSAN VI; Neuropathy, hereditary sensory and autonomic, type VI. Identifiers: Orphanet 314381, MedGen C3539003, MONDO:0013839, OMIM 614653.
Epidermolysis bullosa simplex 3, localized or generalized intermediate, with BP230 deficiency (EBS3). Also called: Epidermolysis bullosa simplex, autosomal recessive 2; Epidermolysis bullosa simplex due to BP230 deficiency. Identifiers: Orphanet 412181, MedGen C3809470, MONDO:0014180, OMIM 615425.

Allele frequency attached by ClinVar (database versions not stated): gnomAD exomes 0.00002 and 0.00009; gnomAD 0.00004 and 0.00005; TOPMed 0.00006; ExAC 0.00007.
gnomAD v4.1: 44 of 1,612,422 alleles (0.0027%); highest among the groups gnomAD compares: East Asian, 0.065%; no homozygotes.

Submissions (2):

Labcorp Genetics (formerly Invitae), Labcorp
Classification: Uncertain significance for Epidermolysis bullosa simplex 3, localized or generalized intermediate, with BP230 deficiency; Hereditary sensory and autonomic neuropathy type 6. Last evaluated: 2022-08-31. Review status: criteria provided, single submitter. Criteria: Invitae Variant Classification Sherloc (09022015). Collection method: clinical testing. Allele origin: germline.
Comment: In summary, the available evidence is currently insufficient to determine the role of this variant in disease. Therefore, it has been classified as a Variant of Uncertain Significance. Algorithms developed to predict the effect of sequence changes on RNA splicing suggest that this variant is not likely to affect RNA splicing. ClinVar contains an entry for this variant (Variation ID: 541470). This variant has not been reported in the literature in individuals affected with DST-related conditions. This variant is present in population databases (rs759216859, gnomAD 0.1%). This sequence change affects codon 56 of the DST mRNA. It is a 'silent' change, meaning that it does not change the encoded amino acid sequence of the DST protein. It affects a nucleotide within the consensus splice site.

Ambry Genetics
Classification: Uncertain significance for Inborn genetic diseases. Last evaluated: 2021-02-04. Review status: criteria provided, single submitter. Criteria: Ambry Variant Classification Scheme 2023. Collection method: clinical testing. Allele origin: germline.
Comment: The c.1680G>A variant (also known as p.R560R), located in coding exon 15 of the DST gene, results from a G to A substitution at nucleotide position 1680. This nucleotide substitution does not change the at codon 560. However, this change occurs in the first base pair of coding exon 15, which makes it likely to have some effect on normal mRNA splicing. This nucleotide position is well conserved in available vertebrate species. In silico splice site analysis for this alteration is inconclusive. Since supporting evidence is limited at this time, the clinical significance of this alteration remains unclear.

NM_001374736.1(DST):c.1779G>A (p.Arg593=)

Gene: DST (dystonin; minus strand). Cytogenetic location: 6p12.1.
Variant type: single nucleotide variant.
Coding change: c.1779G>A on transcript NM_001374736.1 (MANE Select); coding-DNA position 1779, G replaced by A.
Protein change: p.Arg593=; no amino-acid change (arginine 593 retained).
Molecular consequence: synonymous variant.
Genome position (GRCh38, 1-based): chr6:56,642,503, C>T on the plus strand (G>A on the coding strand, the complement: DST is on the minus strand). VCF-style: chr6-56642503-C-T. GRCh37 (hg19) VCF-style: chr6-56507301-C-T.
Other names: c.1680G>A, p.Arg560= (NM_001144769.5); c.1266G>A, p.Arg422= (NM_001144770.2); c.1779G>A, p.Arg593= (NM_001374722.1); c.1146G>A, p.Arg382= (NM_001374729.1, NM_001374730.1, NM_001386100.1 and 1 more transcripts); c.1806G>A, p.Arg602= (NM_001374734.1); c.168G>A, p.Arg56= (NM_001723.7, NM_015548.5).
Identifiers: ClinVar variation 541470 (VCV000541470.9), dbSNP rs759216859, ClinGen allele CA3871561.